The following is an entry in ClinVar:

NM_001148.6(ANK2):c.9365G>C (p.Arg3122Thr)

Gene: ANK2 (ankyrin 2; plus strand). Cytogenetic location: 4q26.
Variant type: single nucleotide variant.
Coding change: c.9365G>C on transcript NM_001148.6 (MANE Select); coding-DNA position 9365, G replaced by C.
Protein change: p.Arg3122Thr; replaces arginine 3122 with threonine.
Molecular consequence: missense variant. On other transcripts: intron variant (68).
Genome position (GRCh38, 1-based): chr4:113,357,983, G>C. VCF-style: chr4-113357983-G-C. GRCh37 (hg19) VCF-style: chr4-114279139-G-C.
Other names: c.9131G>C, p.Arg3044Thr (NM_001386142.1); c.5765G>C, p.Arg1922Thr (NM_001386166.1); c.9506G>C, p.Arg3169Thr (NM_001386174.1); c.9482G>C, p.Arg3161Thr (NM_001386175.1); c.4412-2840G>C (NM_001386186.2, NM_001386148.2); c.4214-2840G>C (NM_001354269.3); c.4292-2840G>C (NM_001386187.2); c.4253-2840G>C (NM_001386147.1); and 35 more; short protein forms R3122T, R3169T, R1922T, R3044T, R3161T.
Identifiers: ClinVar variation 2106674 (VCV002106674.7), dbSNP rs770517954, ClinGen allele CA357937184.
Genomic context (GRCh38, chr4:113,357,983, plus strand): 5'-TGTTTCAGGAAGGAAAATTGTTTGAAATGACCCGAAGTGGTGCCATTGATATGACCAAAA[G>C]GTCCTATGCAGATGAAAGTTTTCACTTTTTCCAAATTGGTCAAGAATCCAGGGAAGAGAC-3'
Protein context (NP_001139.3, residues 3112-3132): TRSGAIDMTK[Arg3122Thr]SYADESFHFF

ClinVar aggregate classification (germline): Uncertain significance. Review status: criteria provided, multiple submitters, no conflicts (2 of 4 stars). 3 submissions from 3 submitters: Uncertain significance (3). Last evaluated 2025-07-02.

Conditions:
Long QT syndrome (LQTS). Identifiers: MedGen C0023976, MeSH D008133, MONDO:0002442. Disease mechanism: loss of function. Inheritance: Various modes of inheritance.
Cardiovascular phenotype. Identifiers: MedGen CN230736.

Allele frequency attached by ClinVar (database versions not stated): gnomAD exomes below 0.00001.
gnomAD v4.1: 1 of 1,614,032 alleles (0.000062%); highest among the groups gnomAD compares: Admixed American, 0.0017%; no homozygotes.

Submissions (3):

GeneDx
Classification: Uncertain significance. Last evaluated: 2025-07-02. Review status: criteria provided, single submitter. Criteria: GeneDx Variant Classification Process June 2021. Collection method: clinical testing. Allele origin: germline. Affected: yes.
Comment: Not observed at significant frequency in large population cohorts (gnomAD); In silico analysis supports that this missense variant has a deleterious effect on protein structure/function; Located in exon 38, which is reported as being expressed in a brain-specific transcript (PMID: 1830053, 18790697, 26109584); Has not been previously published as pathogenic or benign to our knowledge; This variant is associated with the following publications: (PMID: 1830053, 18790697, 26109584)

Ambry Genetics
Classification: Uncertain significance for Cardiovascular phenotype. Last evaluated: 2025-02-08. Review status: criteria provided, single submitter. Criteria: Ambry Variant Classification Scheme 2023. Collection method: clinical testing. Allele origin: germline.

Labcorp Genetics (formerly Invitae), Labcorp
Classification: Uncertain significance for Long QT syndrome. Last evaluated: 2022-05-18. Review status: criteria provided, single submitter. Criteria: Invitae Variant Classification Sherloc (09022015). Collection method: clinical testing. Allele origin: germline.
Comment: In summary, the available evidence is currently insufficient to determine the role of this variant in disease. Therefore, it has been classified as a Variant of Uncertain Significance. This sequence change replaces arginine, which is basic and polar, with threonine, which is neutral and polar, at codon 3122 of the ANK2 protein (p.Arg3122Thr). This variant is present in population databases (no rsID available, gnomAD 0.003%). This variant has not been reported in the literature in individuals affected with ANK2-related conditions. Algorithms developed to predict the effect of missense changes on protein structure and function are either unavailable or do not agree on the potential impact of this missense change (SIFT: "Deleterious"; PolyPhen-2: "Probably Damaging"; Align-GVGD: "Class C0").